The following is an entry in ClinVar:

ClinVar aggregate classification (germline): Uncertain significance (1 of 4 stars; one submission).

Allele frequency attached by ClinVar (database versions not stated): gnomAD exomes below 0.00001 and 0.00001; TOPMed 0.00001.
gnomAD v4.1: 2 of 1,211,982 alleles (0.00017%); highest among the groups gnomAD compares: African/African-American, 0.0035%; no homozygotes.

Submission:

Labcorp Genetics (formerly Invitae), Labcorp
Classification: Uncertain significance. Last evaluated: 2021-07-22. Review status: criteria provided, single submitter. Criteria: Invitae Variant Classification Sherloc (09022015). Collection method: clinical testing. Allele origin: germline.
Comment: In summary, the available evidence is currently insufficient to determine the role of this variant in disease. Therefore, it has been classified as a Variant of Uncertain Significance. Algorithms developed to predict the effect of missense changes on protein structure and function are either unavailable or do not agree on the potential impact of this missense change (SIFT: "Deleterious"; PolyPhen-2: "Benign"; Align-GVGD: "Class C0"). This variant has not been reported in the literature in individuals affected with NEXMIF-related conditions. This variant is not present in population databases (ExAC no frequency). This sequence change replaces serine with threonine at codon 1399 of the NEXMIF protein (p.Ser1399Thr). The serine residue is highly conserved and there is a small physicochemical difference between serine and threonine.

NM_001008537.3(NEXMIF):c.4196G>C (p.Ser1399Thr)

Gene: NEXMIF (neurite extension and migration factor; minus strand). Cytogenetic location: Xq13.3.
Variant type: single nucleotide variant.
Coding change: c.4196G>C on transcript NM_001008537.3 (MANE Select); coding-DNA position 4196, G replaced by C.
Protein change: p.Ser1399Thr; replaces serine 1399 with threonine.
Molecular consequence: missense variant.
Genome position (GRCh38, 1-based): chrX:74,740,361, C>G on the plus strand (G>C on the coding strand, the complement: NEXMIF is on the minus strand). VCF-style: chrX-74740361-C-G. GRCh37 (hg19) VCF-style: chrX-73960196-C-G.
Other names: short protein forms S1399T.
Identifiers: ClinVar variation 1419350 (VCV001419350.8), dbSNP rs1228199830, ClinGen allele CA413663814.